The following is an entry in ClinVar:

ClinVar aggregate classification (germline): Pathogenic. Review status: criteria provided, multiple submitters, no conflicts (2 of 4 stars). 2 submissions from 2 submitters: Pathogenic (2). Last evaluated 2025-01-29.

Conditions:
Irido-corneo-trabecular dysgenesis (ASGD5). Also called: ANTERIOR SEGMENT DYSGENESIS 5. Identifiers: Orphanet 708, MedGen C0344559, MONDO:0011414, OMIM 604229, HP:0000659.
Aniridia 1 (AN1). Identifiers: Orphanet 250923, MedGen C0344542, MONDO:0024507, OMIM 106210.

Submissions (2):

Labcorp Genetics (formerly Invitae), Labcorp
Classification: Pathogenic for Aniridia 1; Irido-corneo-trabecular dysgenesis. Last evaluated: 2025-01-29. Review status: criteria provided, single submitter. Criteria: Invitae Variant Classification Sherloc (09022015). Collection method: clinical testing. Allele origin: germline.
Comment: This sequence change replaces glycine, which is neutral and non-polar, with arginine, which is basic and polar, at codon 12 of the PAX6 protein (p.Gly12Arg). This variant is not present in population databases (gnomAD no frequency). This missense change has been observed in individual(s) with aniridia (PMID: 18483559, 32360764; internal data). In at least one individual the variant was observed to be de novo. Invitae Evidence Modeling of clinical and family history, age, sex, and reported ancestry of multiple individuals with this PAX6 variant has been performed. This variant is expected to be pathogenic with a positive predictive value of at least 99%. This is a validated machine learning model that incorporates the clinical features of 10,718 individuals referred to our laboratory for PAX6 testing. ClinVar contains an entry for this variant (Variation ID: 578719). Invitae Evidence Modeling of protein sequence and biophysical properties (such as structural, functional, and spatial information, amino acid conservation, physicochemical variation, residue mobility, and thermodynamic stability) indicates that this missense variant is expected to disrupt PAX6 protein function with a positive predictive value of 80%. For these reasons, this variant has been classified as Pathogenic.

Wessex Regional Genetics Laboratory, Salisbury District Hospital
Classification: Pathogenic for Aniridia 1. Last evaluated: 2019-08-15. Review status: criteria provided, single submitter. Criteria: ACMG Guidelines, 2015. Collection method: clinical testing. Allele origin: de novo, unknown. Inheritance: Autosomal dominant inheritance. Affected: yes. Observed: 2 variant alleles.

Literature cited by the submitters: PubMed 18483559 (cited by Labcorp Genetics (formerly Invitae), Labcorp); PubMed 32360764 (cited by Labcorp Genetics (formerly Invitae), Labcorp).

NM_001368894.2(PAX6):c.34G>C (p.Gly12Arg)

Gene: PAX6 (paired box 6; minus strand). Cytogenetic location: 11p13.
Variant type: single nucleotide variant.
Coding change: c.34G>C on transcript NM_001368894.2 (MANE Select); coding-DNA position 34, G replaced by C.
Protein change: p.Gly12Arg; replaces glycine 12 with arginine.
Molecular consequence: missense variant. On other transcripts: 5 prime UTR variant (12), non-coding transcript variant (2), intron variant (2).
Genome position (GRCh38, 1-based): chr11:31,802,811, C>G on the plus strand (G>C on the coding strand, the complement: PAX6 is on the minus strand). VCF-style: chr11-31802811-C-G. GRCh37 (hg19) VCF-style: chr11-31824359-C-G.
Other names: c.34G>C, p.Gly12Arg (NM_000280.6, NM_001127612.3, NM_001258462.3 and 30 more transcripts); c.-748G>C (NM_001310160.2, NM_001368905.2); c.-417G>C (NM_001310161.3, NM_001368900.2, NM_001368903.2 and 2 more transcripts); c.-375G>C (NM_001368899.2, NM_001368901.2, NM_001368906.2 and 1 more transcripts); c.-706G>C (NM_001368902.2); c.277G>C, p.Gly93Arg (NM_001368910.2); c.37G>C, p.Gly13Arg (NM_001368911.2); c.-267-1035G>C (NM_001368909.2, NM_001368904.2); short protein forms G12R, G13R, G93R.
Identifiers: ClinVar variation 578719 (VCV000578719.9), dbSNP rs1565246499, ClinGen allele CA379959684.